The following is an entry in ClinVar:

NM_000552.5(VWF):c.2340C>G (p.Asn780Lys)

Gene: VWF (von Willebrand factor; minus strand). Cytogenetic location: 12p13.31.
Variant type: single nucleotide variant.
Coding change: c.2340C>G on transcript NM_000552.5 (MANE Select); coding-DNA position 2340, C replaced by G.
Protein change: p.Asn780Lys; replaces asparagine 780 with lysine.
Molecular consequence: missense variant.
Genome position (GRCh38, 1-based): chr12:6,044,393, G>C on the plus strand (C>G on the coding strand, the complement: VWF is on the minus strand). VCF-style: chr12-6044393-G-C. GRCh37 (hg19) VCF-style: chr12-6153559-G-C.
Other names: NM_000552.5(VWF):c.2340C>G; p.Asn780Lys; c.2340C>G (NM_000552.4); short protein forms N780K.
Identifiers: ClinVar variation 619741 (VCV000619741.14), dbSNP rs143904314, ClinGen allele CA6403094.

ClinVar aggregate classification (germline): Uncertain significance. Review status: reviewed by expert panel (3 of 4 stars). 5 submissions from 5 submitters: Uncertain significance (1). 4 of the submissions do not count toward it. Last evaluated 2025-10-07.

Conditions:
VWF-related disorder. Also called: VWF-related disorders; VWF-related condition.
Hereditary von Willebrand disease. Identifiers: Orphanet 903, MedGen C5703318, MONDO:0019565. Inheritance: Autosomal recessive or Autosomal dominant.

Allele frequency attached by ClinVar (database versions not stated): gnomAD exomes 0.00006 and 0.00019; ExAC 0.00031; 1000 Genomes Project 0.00060; 1000 Genomes Project 30x 0.00062; ESP Exome Variant Server 0.00062; gnomAD 0.00068 and 0.00073; TOPMed 0.00090.
gnomAD v4.1: 210 of 1,614,224 alleles (0.013%); highest among the groups gnomAD compares: African/African-American, 0.25%; no homozygotes.

Submissions (5):

ClinGen von Willebrand Disease Variant Curation Expert Panel, ClinGen
Classification: Uncertain significance for Hereditary von Willebrand disease. Last evaluated: 2025-10-07. Review status: reviewed by expert panel. Criteria: ClinGen VWD 2A B M Rules. Collection method: curation. Allele origin: germline.
Comment: The NM_000552.5:c.2340C>G variant in VWF is a missense variant predicted to cause substitution of asparagine by lysine at amino acid 780. There are 4 ClinVar submissions for carriers of this variant with one asserting unaffected status. Additionally, there is a single publication that reports this variant but in neither the ClinVar nor publication is there any phenotype data. The computational predictor REVEL gives a score of 0.289, which is below the ClinGen VWD VCEP threshold of <0.290 and does not predict a damaging effect on VWF function (BP4). Additionally, the computational splicing predictor SpliceAI indicated that the variant has no impact on splicing. In summary, this variant meets the criteria to be classified as a variant of uncertain significance for hereditary von Willebrand disease based on the ACMG/AMP criteria applied, as specified by the ClinGen VWD VCEP: BP4. (ClinGen von Willebrand Disease Expert Panel Specifications to the ACMG/AMP Variant Interpretation Guidelines for VWF Version 1.0.0)

Women's Health and Genetics/Laboratory Corporation of America, LabCorp
Classification: Likely benign. Last evaluated: 2026-04-14. Review status: criteria provided, single submitter. Criteria: LabCorp Variant Classification Summary - May 2015. Collection method: clinical testing. Allele origin: germline. Not counted in ClinVar's aggregate classification.
Comment: Variant summary: VWF c.2340C>G (p.Asn780Lys) results in a non-conservative amino acid change in the encoded protein sequence. Algorithms developed to predict the effect of missense changes on protein structure and function are either unavailable or do not agree on the potential impact of this missense change. The variant allele was found at a frequency of 0.00019 in 251352 control chromosomes, predominantly at a frequency of 0.0026 within the African or African-American subpopulation in the gnomAD database. The observed variant frequency within African or African-American control individuals in the gnomAD database exceeds the estimated maximal expected allele frequency for disease-causing variants in VWF. c.2340C>G has been observed in an individual affected with type I Von Willebrand Disease who had several other missense variants also reported in VWF and no segregation data available (Sadler_2021). This report does not provide unequivocal conclusions about association of the variant with Von Willebrand Disease. To our knowledge, no experimental evidence demonstrating an impact on protein function has been reported. The following publication has been ascertained in the context of this evaluation (PMID: 33556167). ClinVar contains an entry for this variant (Variation ID: 619741). Based on the evidence outlined above, the variant was classified as likely benign.

Quest Diagnostics Nichols Institute San Juan Capistrano
Classification: Uncertain significance. Last evaluated: 2023-07-16. Review status: criteria provided, single submitter. Criteria: Quest Diagnostics criteria. Collection method: clinical testing. Allele origin: unknown. Not counted in ClinVar's aggregate classification.
Comment: In the published literature, this variant has been reported in healthy individuals (PMIDs: 3342085 (2020), 23690449 (2013)). The frequency of this variant in the general population, 0.003 (75/24960 chromosomes (Genome Aggregation Database)), is uninformative in the assessment of its pathogenicity. Analysis of this variant using bioinformatics tools for the prediction of the effect of amino acid changes on protein structure and function yielded predictions that this variant is benign. Based on the available information, we are unable to determine the clinical significance of this variant.

Genetic Services Laboratory, University of Chicago
Classification: Uncertain significance. Last evaluated: 2019-02-19. Review status: criteria provided, single submitter. Criteria: ACMG Guidelines, 2015. Collection method: clinical testing. Allele origin: germline. Affected: no. Not counted in ClinVar's aggregate classification.

PreventionGenetics, part of Exact Sciences
Classification: Uncertain significance for VWF-related condition. Last evaluated: 2024-08-29. Review status: no assertion criteria provided. Collection method: clinical testing. Allele origin: germline. Not counted in ClinVar's aggregate classification.
Comment: The VWF c.2340C>G variant is predicted to result in the amino acid substitution p.Asn780Lys. To our knowledge, this variant has not been reported in VWF related disease. This variant is reported in 0.30% of alleles in individuals of African descent in gnomAD. Although we suspect that this variant may be benign, at this time, the clinical significance of this variant is uncertain due to the absence of conclusive functional and genetic evidence.

Literature cited by the submitters: PubMed 33556167 (cited by Women's Health and Genetics/Laboratory Corporation of America, LabCorp); PubMed 33424085 (cited by Quest Diagnostics Nichols Institute San Juan Capistrano); PubMed 23690449 (cited by Quest Diagnostics Nichols Institute San Juan Capistrano); PubMed 26420797 (cited by Quest Diagnostics Nichols Institute San Juan Capistrano).